The following is an entry in ClinVar:

ClinVar aggregate classification (germline): Uncertain significance (1 of 4 stars; one submission).

gnomAD v4.1: 1 of 1,613,450 alleles (0.000062%); highest among the groups gnomAD compares: Non-Finnish European, 0.000085%; no homozygotes.

Submission:

GeneDx
Classification: Uncertain significance. Last evaluated: 2026-03-03. Review status: criteria provided, single submitter. Criteria: GeneDx Variant Classification Process June 2021. Collection method: clinical testing. Allele origin: germline.
Comment: Not observed at significant frequency in large population cohorts (gnomAD); In silico analysis supports that this missense variant has a deleterious effect on protein structure/function; Has not been previously published as pathogenic or benign to our knowledge; This variant is associated with the following publications: (PMID: 27839871)

NM_000834.5(GRIN2B):c.1352G>T (p.Gly451Val)

Gene: GRIN2B (glutamate ionotropic receptor NMDA type subunit 2B; minus strand). Cytogenetic location: 12p13.1.
Variant type: single nucleotide variant.
Coding change: c.1352G>T on transcript NM_000834.5 (MANE Select); coding-DNA position 1352, G replaced by T.
Protein change: p.Gly451Val; replaces glycine 451 with valine.
Molecular consequence: missense variant.
Genome position (GRCh38, 1-based): chr12:13,615,641, C>A on the plus strand (G>T on the coding strand, the complement: GRIN2B is on the minus strand). VCF-style: chr12-13615641-C-A. GRCh37 (hg19) VCF-style: chr12-13768575-C-A.
Other names: c.1352G>T, p.Gly451Val (NM_001413992.1); short protein forms G451V.
Identifiers: ClinVar variation 5008214 (VCV005008214.1).
Genomic context (GRCh38, chr12:13,615,641, plus strand): 5'-GATTTAGAAATTTTCTTAAGGATGTCAATACAGAACCCCTTGCAGCATTTTTTGATGTAA[C>A]CCGGCTCCTCGTCTGTTTTATTCCTAGCCAATTAAAGAAACAAAAACAAACAAACAAAAA-3'
Protein context (NP_000825.2, residues 441-461): VTENKTDEEP[Gly451Val]YIKKCCKGFC